The following is an entry in ClinVar:

ClinVar aggregate classification (germline): Uncertain significance (1 of 4 stars; one submission).

Conditions:
Spondyloepiphyseal dysplasia with congenital joint dislocations (SEDCJD). Also called: Chondrodysplasia with Congenital Joint Dislocations, CHST3-Related. Identifiers: Orphanet 263463, MedGen C1837657, MONDO:0007738, OMIM 143095.

Submission:

Labcorp Genetics (formerly Invitae), Labcorp
Classification: Uncertain significance for Spondyloepiphyseal dysplasia with congenital joint dislocations. Last evaluated: 2022-06-18. Review status: criteria provided, single submitter. Criteria: Invitae Variant Classification Sherloc (09022015). Collection method: clinical testing. Allele origin: germline.
Comment: In summary, the available evidence is currently insufficient to determine the role of this variant in disease. Therefore, it has been classified as a Variant of Uncertain Significance. Algorithms developed to predict the effect of missense changes on protein structure and function are either unavailable or do not agree on the potential impact of this missense change (SIFT: "Deleterious"; PolyPhen-2: "Probably Damaging"; Align-GVGD: "Class C0"). This variant has not been reported in the literature in individuals affected with CHST3-related conditions. This variant is not present in population databases (gnomAD no frequency). This sequence change replaces aspartic acid, which is acidic and polar, with tyrosine, which is neutral and polar, at codon 293 of the CHST3 protein (p.Asp293Tyr).

NM_004273.5(CHST3):c.877G>T (p.Asp293Tyr)

Gene: CHST3 (carbohydrate sulfotransferase 3; plus strand). Cytogenetic location: 10q22.1.
Variant type: single nucleotide variant.
Coding change: c.877G>T on transcript NM_004273.5 (MANE Select); coding-DNA position 877, G replaced by T.
Protein change: p.Asp293Tyr; replaces aspartic acid 293 with tyrosine.
Molecular consequence: missense variant.
Genome position (GRCh38, 1-based): chr10:72,007,908, G>T. VCF-style: chr10-72007908-G-T. GRCh37 (hg19) VCF-style: chr10-73767666-G-T.
Other names: short protein forms D293Y.
Identifiers: ClinVar variation 2001648 (VCV002001648.4), dbSNP rs2494771397, ClinGen allele CA377147556.